The following is an entry in ClinVar:

ClinVar aggregate classification (germline): Conflicting classifications of pathogenicity. Review status: criteria provided, conflicting classifications (1 of 4 stars). 6 submissions from 6 submitters: Uncertain significance (5); Likely benign (1). Last evaluated 2026-06-11.

Conditions:
COL11A1-related disorder. Also called: COL11A1-related disorders; COL11A1-related condition.
Inborn genetic diseases. Identifiers: MedGen C0950123, MeSH D030342.

Allele frequency attached by ClinVar (database versions not stated): gnomAD exomes 0.00001; TOPMed 0.00001; ExAC 0.00002; gnomAD 0.00002.
gnomAD v4.1: 13 of 1,613,222 alleles (0.00081%); highest among the groups gnomAD compares: Middle Eastern, 0.016%; no homozygotes.

Submissions (6):

PreventionGenetics, part of Exact Sciences
Classification: Uncertain significance for COL11A1-related condition. Last evaluated: 2026-06-11. Review status: criteria provided, single submitter. Criteria: ACMG Guidelines, 2015. Collection method: clinical testing. Allele origin: germline.
Comment: The COL11A1 c.1051C>A variant is predicted to result in the amino acid substitution p.Gln351Lys. To our knowledge, this variant has not been reported in the literature. This variant is reported in 0.0039% of alleles in individuals of European (Non-Finnish) descent in gnomAD. At this time, the clinical significance of this variant is uncertain due to the absence of conclusive functional and genetic evidence.

CeGaT Center for Human Genetics Tuebingen
Classification: Uncertain significance. Last evaluated: 2026-05-01. Review status: criteria provided, single submitter. Criteria: CeGaT Center For Human Genetics Tuebingen Variant Classification Criteria Version 2. Collection method: clinical testing. Allele origin: germline. Affected: yes. Observed: 1 variant allele.
Comment: COL11A1: PM2, BP4

Labcorp Genetics (formerly Invitae), Labcorp
Classification: Likely benign. Last evaluated: 2025-06-08. Review status: criteria provided, single submitter. Criteria: Invitae Variant Classification Sherloc (09022015). Collection method: clinical testing. Allele origin: germline.

Ambry Genetics
Classification: Uncertain significance for Inborn genetic diseases. Last evaluated: 2024-03-04. Review status: criteria provided, single submitter. Criteria: Ambry Variant Classification Scheme 2023. Collection method: clinical testing. Allele origin: germline.

Blueprint Genetics
Classification: Uncertain significance. Last evaluated: 2023-10-30. Review status: criteria provided, single submitter. Criteria: ACMG Guidelines, 2015. Collection method: clinical testing. Allele origin: germline.

GeneDx
Classification: Uncertain significance. Last evaluated: 2021-11-23. Review status: criteria provided, single submitter. Criteria: GeneDx Variant Classification Process June 2021. Collection method: clinical testing. Allele origin: germline. Affected: yes.
Comment: Has not been previously published as pathogenic or benign to our knowledge; Not observed at a significant frequency in large population cohorts (Lek et al., 2016); In silico analysis, which includes protein predictors and evolutionary conservation, supports that this variant does not alter protein structure/function; Not located in the triple helical region, where the majority of pathogenic missense variants occur (Stenson et al., 2014)

NM_001854.4(COL11A1):c.1051C>A (p.Gln351Lys)

Gene: COL11A1 (collagen type XI alpha 1 chain; minus strand). Cytogenetic location: 1p21.1.
Variant type: single nucleotide variant.
Coding change: c.1051C>A on transcript NM_001854.4 (MANE Select); coding-DNA position 1051, C replaced by A.
Protein change: p.Gln351Lys; replaces glutamine 351 with lysine.
Molecular consequence: missense variant. On other transcripts: non-coding transcript variant (1), intron variant (1).
Genome position (GRCh38, 1-based): chr1:103,022,936, G>T on the plus strand (C>A on the coding strand, the complement: COL11A1 is on the minus strand). VCF-style: chr1-103022936-G-T. GRCh37 (hg19) VCF-style: chr1-103488492-G-T.
Other names: c.934C>A, p.Gln312Lys (NM_001190709.2); c.1087C>A, p.Gln363Lys (NM_080629.3); c.898-1167C>A (NM_080630.4); short protein forms Q312K, Q351K, Q363K.
Identifiers: ClinVar variation 1198815 (VCV001198815.14), dbSNP rs761451204, ClinGen allele CA975126.
Genomic context (GRCh38, chr1:103,022,936, plus strand): 5'-CAGAATCCCTGCCGTCTATTTCTTTGTTTTCATATAGTGTATCCTCAGAATTTTTCCTCT[G>T]GGAATCATAATCCTCTCCCGTTAGATATTCTTCAGTAAATATTTCTTCAACTGGATTTGG-3'
Protein context (NP_001845.3, residues 341-361): EYLTGEDYDS[Gln351Lys]RKNSEDTLYE